The following is an entry in ClinVar:

NM_000135.4(FANCA):c.4167G>C (p.Gln1389His)

Genes: FANCA (FA complementation group A; minus strand), ZNF276 (zinc finger protein 276; plus strand). Cytogenetic location: 16q24.3.
Variant type: single nucleotide variant.
Coding change: c.4167G>C on transcript NM_000135.4 (MANE Select); coding-DNA position 4167, G replaced by C.
Protein change: p.Gln1389His; replaces glutamine 1389 with histidine.
Molecular consequence: missense variant. On other transcripts: 3 prime UTR variant (2), non-coding transcript variant (4).
Genome position (GRCh38, 1-based): chr16:89,739,133, C>G on the plus strand (G>C on the coding strand, the complement: FANCA is on the minus strand). VCF-style: chr16-89739133-C-G. GRCh37 (hg19) VCF-style: chr16-89805541-C-G.
Other names: c.4167G>C, p.Gln1389His (NM_001286167.3); c.*887C>G (NM_001113525.2, NM_152287.4); short protein forms Q1389H.
Identifiers: ClinVar variation 656395 (VCV000656395.6), dbSNP rs1598051449, ClinGen allele CA397484249.

ClinVar aggregate classification (germline): Uncertain significance (1 of 4 stars; one submission).

Conditions:
Fanconi anemia (FA). Also called: Fanconi's anemia. Identifiers: Orphanet 84, MedGen C0015625, MeSH D005199, MONDO:0019391.

Submission:

Labcorp Genetics (formerly Invitae), Labcorp
Classification: Uncertain significance for Fanconi anemia. Last evaluated: 2021-08-20. Review status: criteria provided, single submitter. Criteria: Invitae Variant Classification Sherloc (09022015). Collection method: clinical testing. Allele origin: germline.
Comment: This sequence change replaces glutamine with histidine at codon 1389 of the FANCA protein (p.Gln1389His). The glutamine residue is highly conserved and there is a small physicochemical difference between glutamine and histidine. This variant also falls at the last nucleotide of exon 41, which is part of the consensus splice site for this exon. This variant is not present in population databases (ExAC no frequency). This variant has not been reported in the literature in individuals affected with FANCA-related conditions. Algorithms developed to predict the effect of missense changes on protein structure and function are either unavailable or do not agree on the potential impact of this missense change (SIFT: "Deleterious"; PolyPhen-2: "Benign"; Align-GVGD: "Class C0"). Variants that disrupt the consensus splice site are a relatively common cause of aberrant splicing (PMID: 17576681, 9536098). In summary, the available evidence is currently insufficient to determine the role of this variant in disease. Therefore, it has been classified as a Variant of Uncertain Significance.

Literature cited by the submitters: PubMed 17576681; PubMed 9536098.